The following is an entry in ClinVar:

NM_000284.4(PDHA1):c.649C>G (p.Pro217Ala)

Gene: PDHA1 (pyruvate dehydrogenase E1 subunit alpha 1; plus strand). Cytogenetic location: Xp22.12.
Variant type: single nucleotide variant.
Coding change: c.649C>G on transcript NM_000284.4 (MANE Select); coding-DNA position 649, C replaced by G.
Protein change: p.Pro217Ala; replaces proline 217 with alanine.
Molecular consequence: missense variant.
Genome position (GRCh38, 1-based): chrX:19,355,394, C>G. VCF-style: chrX-19355394-C-G. GRCh37 (hg19) VCF-style: chrX-19373512-C-G.
Other names: c.763C>G, p.Pro255Ala (NM_001173454.2); c.670C>G, p.Pro224Ala (NM_001173455.2); c.556C>G, p.Pro186Ala (NM_001173456.2); short protein forms P186A, P217A, P224A, P255A.
Identifiers: ClinVar variation 4070352 (VCV004070352.1).

ClinVar aggregate classification (germline): Likely pathogenic (0 of 4 stars; one submission).

Conditions:
Pyruvate dehydrogenase E1-alpha deficiency (PDHAD). Also called: ATAXIA, INTERMITTENT, WITH PYRUVATE DEHYDROGENASE DEFICIENCY; ATAXIA WITH LACTIC ACIDOSIS I; ATAXIA, INTERMITTENT, WITH ABNORMAL PYRUVATE METABOLISM; Ataxia, intermittent, with pyruvate dehydrogenase, or decarboxylase, deficiency. Identifiers: Orphanet 79243, MedGen C1839413, MONDO:0010717, OMIM 312170.

Submission:

PDHA1 Study Group, University Children’s Hospital, Paracelsus Medical University
Classification: Likely pathogenic for Pyruvate dehydrogenase E1-alpha deficiency. Last evaluated: 2024-10-15. Review status: no assertion criteria provided. Collection method: research. Allele origin: germline. Affected: yes. Observed: 1 variant allele.
Comment: The NM_000284.3:c.649C>G (p.Pro217Ala) substitution is a missense variant in PDHA1 gene. The variant has been reported in 1 published case (PMIDs: 37787965, 35943828). Last literature search: July 12, 2024. This variant is absent or extremely rare in population-based cohorts in the Genome Aggregation Database (gnomAD). Individuals harboring this variant presented with clinical features compatible with PDHA1-related PDHc deficiency. In summary, this variant meets criteria to be classified as likely pathogenic (LP) for PDHA1-related PDHc deficiency based on the ACMG/AMP criteria applied: PM2, PM5, PM7, PP3 (last assessment October 15, 2024).

Literature cited by the submitters: PubMed 37787965; PubMed 35943828; DOI 10.1093/brain/awaf430.